The following is an entry in ClinVar:

ClinVar aggregate classification (germline): Uncertain significance. Review status: criteria provided, multiple submitters, no conflicts (2 of 4 stars). 2 submissions from 2 submitters: Uncertain significance (2). Last evaluated 2024-08-08.

Conditions:
Inborn genetic diseases. Identifiers: MedGen C0950123, MeSH D030342.

Allele frequency attached by ClinVar (database versions not stated): ExAC 0.00007.
gnomAD v4.1: 18 of 1,610,420 alleles (0.0011%); highest among the groups gnomAD compares: South Asian, 0.02%; no homozygotes.

Submissions (2):

GeneDx
Classification: Uncertain significance. Last evaluated: 2024-08-08. Review status: criteria provided, single submitter. Criteria: GeneDx Variant Classification Process June 2021. Collection method: clinical testing. Allele origin: germline. Affected: yes.
Comment: Has not been previously published as pathogenic or benign to our knowledge; In silico analysis supports that this missense variant has a deleterious effect on protein structure/function

Ambry Genetics
Classification: Uncertain significance for Inborn genetic diseases. Last evaluated: 2023-06-28. Review status: criteria provided, single submitter. Criteria: Ambry Variant Classification Scheme 2023. Collection method: clinical testing. Allele origin: germline.

NM_006348.5(COG5):c.494G>C (p.Gly165Ala)

Gene: COG5 (component of oligomeric golgi complex 5; minus strand). Cytogenetic location: 7q22.3.
Variant type: single nucleotide variant.
Coding change: c.494G>C on transcript NM_006348.5 (MANE Select); coding-DNA position 494, G replaced by C.
Protein change: p.Gly165Ala; replaces glycine 165 with alanine.
Molecular consequence: missense variant. On other transcripts: intron variant (1).
Genome position (GRCh38, 1-based): chr7:107,527,281, C>G on the plus strand (G>C on the coding strand, the complement: COG5 is on the minus strand). VCF-style: chr7-107527281-C-G. GRCh37 (hg19) VCF-style: chr7-107167726-C-G.
Other names: c.494G>C, p.Gly165Ala (NM_001161520.2, NM_001379511.1, NM_001379512.1 and 4 more transcripts); c.234+30695G>C (NM_001379516.1); short protein forms G165A.
Identifiers: ClinVar variation 2589487 (VCV002589487.3), dbSNP rs771063729, ClinGen allele CA4431364.
Genomic context (GRCh38, chr7:107,527,281, plus strand): 5'-AAAAAAAAAAACTTACCAAGTTCATTGAGACTCTGAGCAGCTTTTGTTATCTCTCTACTT[C>G]CCCCTTGCAGTTGTCCTTGGAGTCTCTTACTGAGATTCAAGATACGAATAATCCTCCGAA-3'
Protein context (NP_006339.4, residues 155-175): SKRLQGQLQG[Gly165Ala]SREITKAAQS